The following is an entry in ClinVar:

ClinVar aggregate classification (germline): Uncertain significance. Review status: criteria provided, multiple submitters, no conflicts (2 of 4 stars). 4 submissions from 4 submitters: Uncertain significance (4). Last evaluated 2025-08-24.

Conditions:
Aortic aneurysm, familial thoracic 4 (AAT4). Also called: AORTIC ANEURYSM/AORTIC DISSECTION AND PATENT DUCTUS ARTERIOSUS. Identifiers: MedGen C1851504, MONDO:0007568, OMIM 132900.
Familial thoracic aortic aneurysm and aortic dissection (TAAD). Also called: Thoracic aortic aneurysms and dissections. Identifiers: Orphanet 91387, MedGen C4707243, MONDO:0019625.

Allele frequency attached by ClinVar (database versions not stated): TOPMed 0.00001; gnomAD 0.00002; ExAC 0.00001; gnomAD exomes 0.00001.
gnomAD v4.1: 16 of 1,613,988 alleles (0.00099%); highest among the groups gnomAD compares: Admixed American, 0.0067%; no homozygotes.

Submissions (4):

Color Diagnostics, LLC DBA Color Health
Classification: Uncertain significance for Familial thoracic aortic aneurysm and aortic dissection. Last evaluated: 2025-08-24. Review status: criteria provided, single submitter. Criteria: ACMG Guidelines, 2015. Collection method: clinical testing. Allele origin: germline.
Comment: This missense variant replaces arginine with tryptophan at codon 874 of the MYH11 protein. Computational prediction suggests that this variant may not impact protein structure and function. To our knowledge, functional studies have not been reported for this variant. This variant has not been reported in individuals affected with MYH11-related disorders in the literature. This variant has been identified in 3/251464 chromosomes in the general population by the Genome Aggregation Database (gnomAD). The available evidence is insufficient to determine the role of this variant in disease conclusively. Therefore, this variant is classified as a Variant of Uncertain Significance.

Labcorp Genetics (formerly Invitae), Labcorp
Classification: Uncertain significance for Aortic aneurysm, familial thoracic 4. Last evaluated: 2025-04-17. Review status: criteria provided, single submitter. Criteria: Invitae Variant Classification Sherloc (09022015). Collection method: clinical testing. Allele origin: germline.
Comment: This sequence change replaces arginine, which is basic and polar, with tryptophan, which is neutral and slightly polar, at codon 874 of the MYH11 protein (p.Arg874Trp). This variant is present in population databases (rs745429737, gnomAD 0.006%). This missense change has been observed in individual(s) with clinical features of MYH11-related conditions (internal data). ClinVar contains an entry for this variant (Variation ID: 657104). Invitae Evidence Modeling of protein sequence and biophysical properties (such as structural, functional, and spatial information, amino acid conservation, physicochemical variation, residue mobility, and thermodynamic stability) indicates that this missense variant is not expected to disrupt MYH11 protein function with a negative predictive value of 95%. In summary, the available evidence is currently insufficient to determine the role of this variant in disease. Therefore, it has been classified as a Variant of Uncertain Significance.

Ambry Genetics
Classification: Uncertain significance for Familial thoracic aortic aneurysm and aortic dissection. Last evaluated: 2024-02-25. Review status: criteria provided, single submitter. Criteria: Ambry Variant Classification Scheme 2023. Collection method: clinical testing. Allele origin: germline.
Comment: The p.R867W variant (also known as c.2599C>T), located in coding exon 20 of the MYH11 gene, results from a C to T substitution at nucleotide position 2599. The arginine at codon 867 is replaced by tryptophan, an amino acid with dissimilar properties. This amino acid position is not well conserved in available vertebrate species. In addition, the in silico prediction for this alteration is inconclusive. Since supporting evidence is limited at this time, the clinical significance of this alteration remains unclear.

CHEO Genetics Diagnostic Laboratory, Children's Hospital of Eastern Ontario
Classification: Uncertain significance for Familial thoracic aortic aneurysm and aortic dissection. Last evaluated: 2021-07-20. Review status: criteria provided, single submitter. Criteria: ACMG Guidelines, 2015. Collection method: clinical testing. Allele origin: germline.

NM_002474.3(MYH11):c.2599C>T (p.Arg867Trp)

Gene: MYH11 (myosin heavy chain 11; minus strand). Cytogenetic location: 16p13.11.
Variant type: single nucleotide variant.
Coding change: c.2599C>T on transcript NM_002474.3 (MANE Select); coding-DNA position 2599, C replaced by T.
Protein change: p.Arg867Trp; replaces arginine 867 with tryptophan.
Molecular consequence: missense variant.
Genome position (GRCh38, 1-based): chr16:15,741,813, G>A on the plus strand (C>T on the coding strand, the complement: MYH11 is on the minus strand). VCF-style: chr16-15741813-G-A. GRCh37 (hg19) VCF-style: chr16-15835670-G-A.
Other names: c.2620C>T, p.Arg874Trp (NM_001040113.2, NM_001040114.2); c.2599C>T, p.Arg867Trp (NM_022844.3); short protein forms R867W, R874W.
Identifiers: ClinVar variation 657104 (VCV000657104.12), dbSNP rs745429737, ClinGen allele CA7922223.